The following is an entry in ClinVar:

NM_001267550.2(TTN):c.80813A>C (p.His26938Pro)

Genes: TTN (titin; minus strand), TTN-AS1 (TTN antisense RNA 1; plus strand). Cytogenetic location: 2q31.2.
Variant type: single nucleotide variant.
Coding change: c.80813A>C on transcript NM_001267550.2 (MANE Select); coding-DNA position 80813, A replaced by C.
Protein change: p.His26938Pro; replaces histidine 26938 with proline.
Molecular consequence: missense variant.
Genome position (GRCh38, 1-based): chr2:178,565,319, T>G on the plus strand (A>C on the coding strand, the complement: TTN is on the minus strand). VCF-style: chr2-178565319-T-G. GRCh37 (hg19) VCF-style: chr2-179430046-T-G.
Other names: c.75890A>C, p.His25297Pro (NM_001256850.1); c.53618A>C, p.His17873Pro (NM_003319.4); c.73109A>C, p.His24370Pro (NM_133378.4); c.53993A>C, p.His17998Pro (NM_133432.3); c.54194A>C, p.His18065Pro (NM_133437.4); short protein forms H17873P, H17998P, H18065P, H24370P, H25297P, H26938P.
Identifiers: ClinVar variation 4280108 (VCV004280108.1).
Genomic context (GRCh38, chr2:178,565,319, plus strand): 5'-GCACTATTTGTTGCCGTTACGGTGTATTTTCCAAAGTCATCTTTGTTACCTTCTTTAATG[T>G]GCAAAACAGTTGAGGTAGCTGTTTCTTCAACGTTTACTCTTGTTGTCTGTTTAAGAGGCT-3'
Protein context (NP_001254479.2, residues 26928-26948): VEETATSTVL[His26938Pro]IKEGNKDDFG

ClinVar aggregate classification (germline): Uncertain significance (1 of 4 stars; one submission).

Conditions:
Tuberous sclerosis 2 (TSC2). Identifiers: Orphanet 805, MedGen C1860707, MONDO:0013199, OMIM 613254.

gnomAD v4.1: 1 of 1,613,680 alleles (0.000062%); highest among the groups gnomAD compares: East Asian, 0.0022%; no homozygotes.

Submission:

Johns Hopkins Genomics, Johns Hopkins University
Classification: Uncertain significance for Tuberous sclerosis 2. Last evaluated: 2024-11-13. Review status: criteria provided, single submitter. Criteria: ACMG Guidelines, 2015. Collection method: clinical testing. Allele origin: germline.
Comment: The clinical significance of this variant is uncertain (PM2).